The following is an entry in ClinVar:

NM_006231.4(POLE):c.802-3C>G

Gene: POLE (DNA polymerase epsilon, catalytic subunit; minus strand). Cytogenetic location: 12q24.33.
Variant type: single nucleotide variant.
Coding change: c.802-3C>G on transcript NM_006231.4 (MANE Select); 3 bases into the intron before coding-DNA position 802, C replaced by G.
Molecular consequence: intron variant.
Genome position (GRCh38, 1-based): chr12:132,676,656, G>C on the plus strand (C>G on the coding strand, the complement: POLE is on the minus strand). VCF-style: chr12-132676656-G-C. GRCh37 (hg19) VCF-style: chr12-133253242-G-C.
Other names: c.802-3C>G (NM_006231.2).
Identifiers: ClinVar variation 1421945 (VCV001421945.7), dbSNP rs1593079733, ClinGen allele CA2554355966.

ClinVar aggregate classification (germline): Uncertain significance. Review status: criteria provided, multiple submitters, no conflicts (2 of 4 stars). 2 submissions from 2 submitters: Uncertain significance (2). Last evaluated 2026-06-22.

Conditions:
Hereditary cancer-predisposing syndrome. Also called: Hereditary Cancer Syndrome; Neoplastic Syndromes, Hereditary; Hereditary neoplastic syndrome; Tumor predisposition. Identifiers: Orphanet 140162, MedGen C0027672, MeSH D009386, MONDO:0015356.

Submissions (2):

Ambry Genetics
Classification: Uncertain significance for Hereditary cancer-predisposing syndrome. Last evaluated: 2026-06-22. Review status: criteria provided, single submitter. Criteria: Ambry Variant Classification Scheme 2023. Collection method: clinical testing. Allele origin: germline.
Comment: The c.802-3C>G intronic variant results from a C to G substitution 3 nucleotides upstream from coding exon 9 in the POLE gene. This nucleotide position is not well conserved in available vertebrate species. In silico splice site analysis predicts that this alteration may weaken the native splice acceptor site and will result in the creation or strengthening of a novel splice acceptor site. RNA studies have demonstrated that this variant results in abnormal splicing in the set of samples tested (Ambry internal data). Although biallelic loss of function of POLE has been associated with autosomal recessive POLE deficiency, haploinsufficiency of POLE has not been established as a mechanism of disease for POLE-related polymerase proofreading-associated polyposis (PPAP) and POLE-related CMMRD-like syndrome. Based on the supporting evidence, this variant is expected to be causative of POLE deficiency when present along with a second pathogenic variant on the other allele; however, its clinical significance for PPAP and POLE-related CMMRD-like syndrome is unclear.

Labcorp Genetics (formerly Invitae), Labcorp
Classification: Uncertain significance. Last evaluated: 2024-06-07. Review status: criteria provided, single submitter. Criteria: Invitae Variant Classification Sherloc (09022015). Collection method: clinical testing. Allele origin: germline.
Comment: This sequence change falls in intron 8 of the POLE gene. It does not directly change the encoded amino acid sequence of the POLE protein. It affects a nucleotide within the consensus splice site. This variant is not present in population databases (gnomAD no frequency). This variant has not been reported in the literature in individuals affected with POLE-related conditions. ClinVar contains an entry for this variant (Variation ID: 1421945). Variants that disrupt the consensus splice site are a relatively common cause of aberrant splicing (PMID: 17576681, 9536098). Algorithms developed to predict the effect of sequence changes on RNA splicing suggest that this variant may disrupt the consensus splice site. In summary, the available evidence is currently insufficient to determine the role of this variant in disease. Therefore, it has been classified as a Variant of Uncertain Significance.

Literature cited by the submitters: PubMed 17576681 (cited by Labcorp Genetics (formerly Invitae), Labcorp); PubMed 9536098 (cited by Labcorp Genetics (formerly Invitae), Labcorp).